The following is an entry in ClinVar:

ClinVar aggregate classification (germline): Conflicting classifications of pathogenicity. Review status: criteria provided, conflicting classifications (1 of 4 stars). 2 submissions from 2 submitters: Uncertain significance (1); Likely benign (1). Last evaluated 2025-08-05.

Conditions:
Inborn genetic diseases. Identifiers: MedGen C0950123, MeSH D030342.
Developmental and epileptic encephalopathy, 30 (DEE30). Also called: Epileptic encephalopathy, early infantile, 30. Identifiers: MedGen C4225360, MONDO:0014595, OMIM 616341.

Allele frequency attached by ClinVar (database versions not stated): ExAC 0.00002; gnomAD exomes 0.00002; 1000 Genomes Project 0.00020.

Submissions (2):

Ambry Genetics
Classification: Likely benign for Inborn genetic diseases. Last evaluated: 2025-08-05. Review status: criteria provided, single submitter. Criteria: Ambry Variant Classification Scheme 2023. Collection method: clinical testing. Allele origin: germline.

Labcorp Genetics (formerly Invitae), Labcorp
Classification: Uncertain significance for Developmental and epileptic encephalopathy, 30. Last evaluated: 2025-06-22. Review status: criteria provided, single submitter. Criteria: Invitae Variant Classification Sherloc (09022015). Collection method: clinical testing. Allele origin: germline.
Comment: This sequence change replaces glycine, which is neutral and non-polar, with arginine, which is basic and polar, at codon 427 of the SIK1 protein (p.Gly427Arg). This variant is present in population databases (rs565748824, gnomAD 0.01%). This variant has not been reported in the literature in individuals affected with SIK1-related conditions. ClinVar contains an entry for this variant (Variation ID: 1462942). Invitae Evidence Modeling of protein sequence and biophysical properties (such as structural, functional, and spatial information, amino acid conservation, physicochemical variation, residue mobility, and thermodynamic stability) indicates that this missense variant is not expected to disrupt SIK1 protein function with a negative predictive value of 95%. In summary, the available evidence is currently insufficient to determine the role of this variant in disease. Therefore, it has been classified as a Variant of Uncertain Significance.

NM_173354.5(SIK1):c.1279G>A (p.Gly427Arg)

Gene: SIK1 (salt inducible kinase 1; minus strand). Cytogenetic location: 21q22.3.
Variant type: single nucleotide variant.
Coding change: c.1279G>A on transcript NM_173354.5 (MANE Select); coding-DNA position 1279, G replaced by A.
Protein change: p.Gly427Arg; replaces glycine 427 with arginine.
Molecular consequence: missense variant.
Genome position (GRCh38, 1-based): chr21:43,419,204, C>T on the plus strand (G>A on the coding strand, the complement: SIK1 is on the minus strand). VCF-style: chr21-43419204-C-T. GRCh37 (hg19) VCF-style: chr21-44839084-C-T.
Other names: c.1279G>A (NM_173354.3); short protein forms G427R.
Identifiers: ClinVar variation 1462942 (VCV001462942.9), dbSNP rs565748824, ClinGen allele CA321325927.